The following is an entry in ClinVar:

ClinVar aggregate classification (germline): Uncertain significance. Review status: criteria provided, single submitter (1 of 4 stars). 3 submissions from 3 submitters: Uncertain significance (1). 2 of the submissions do not count toward it. Last evaluated 2026-01-04.

Conditions:
Glycogen storage disease IXd (GSD9D). Also called: Muscle Phosphorylase Kinase Deficiency; GSD IXd. Identifiers: Orphanet 715, MedGen C1845151, MONDO:0010362, OMIM 300559.

Allele frequency attached by ClinVar (database versions not stated): ExAC 0.00002; gnomAD exomes 0.00003 and 0.00006; TOPMed 0.00007; gnomAD 0.00008; ESP Exome Variant Server 0.00009.
gnomAD v4.1: 75 of 1,191,744 alleles (0.0063%); highest among the groups gnomAD compares: Non-Finnish European, 0.0085%; no homozygotes.

Submissions (3):

Labcorp Genetics (formerly Invitae), Labcorp
Classification: Uncertain significance for Glycogen storage disease IXd. Last evaluated: 2026-01-04. Review status: criteria provided, single submitter. Criteria: Invitae Variant Classification Sherloc (09022015). Collection method: clinical testing. Allele origin: germline.
Comment: This sequence change replaces glycine, which is neutral and non-polar, with alanine, which is neutral and non-polar, at codon 1027 of the PHKA1 protein (p.Gly1027Ala). This variant is present in population databases (rs145272281, gnomAD 0.008%). This variant has not been reported in the literature in individuals affected with PHKA1-related conditions. ClinVar contains an entry for this variant (Variation ID: 1284945). An algorithm developed to predict the effect of missense changes on protein structure and function outputs the following: PolyPhen-2: "Benign". The alanine amino acid residue is found in multiple mammalian species, which suggests that this missense change does not adversely affect protein function. In summary, the available evidence is currently insufficient to determine the role of this variant in disease. Therefore, it has been classified as a Variant of Uncertain Significance.

Clinical Genetics DNA and cytogenetics Diagnostics Lab, Erasmus MC, Erasmus Medical Center
Classification: Likely benign. Review status: no assertion criteria provided. Collection method: clinical testing. Allele origin: germline. Affected: yes. Study: VKGL Data-share Consensus. Not counted in ClinVar's aggregate classification.

Genome Diagnostics Laboratory, University Medical Center Utrecht
Classification: Likely benign. Review status: no assertion criteria provided. Collection method: clinical testing. Allele origin: germline. Affected: yes. Study: VKGL Data-share Consensus. Not counted in ClinVar's aggregate classification.

NM_002637.4(PHKA1):c.3080G>C (p.Gly1027Ala)

Gene: PHKA1 (phosphorylase kinase regulatory subunit alpha 1; minus strand). Cytogenetic location: Xq13.1.
Variant type: single nucleotide variant.
Coding change: c.3080G>C on transcript NM_002637.4 (MANE Select); coding-DNA position 3080, G replaced by C.
Protein change: p.Gly1027Ala; replaces glycine 1027 with alanine.
Molecular consequence: missense variant.
Genome position (GRCh38, 1-based): chrX:72,593,267, C>G on the plus strand (G>C on the coding strand, the complement: PHKA1 is on the minus strand). VCF-style: chrX-72593267-C-G. GRCh37 (hg19) VCF-style: chrX-71813117-C-G.
Other names: c.3041G>C, p.Gly1014Ala (NM_001122670.2); c.2864G>C, p.Gly955Ala (NM_001172436.2); short protein forms G1014A, G1027A, G955A.
Identifiers: ClinVar variation 1284945 (VCV001284945.3), dbSNP rs145272281, ClinGen allele CA10450527.
Genomic context (GRCh38, chrX:72,593,267, plus strand): 5'-TTAGATGACTGCTGATCATATGCACTAGGAAAGGACCCACTACTTGGAGTCATAGAGGTT[C>G]CAGGTGACTTGGAAGAGGAGAGGAAAGAACATAAATCAAAAGTTATCTCTGTTTCTATGA-3'
Protein context (NP_002628.2, residues 1017-1037): LSISAESQSP[Gly1027Ala]TSMTPSSGSF